The following is an entry in ClinVar:

ClinVar aggregate classification (germline): Uncertain significance (1 of 4 stars; one submission).

Conditions:
Congenital myasthenic syndrome 8. Also called: MYASTHENIC SYNDROME, CONGENITAL, DUE TO AGRIN DEFICIENCY; Myasthenic syndrome, congenital, 8, with pre- and postsynaptic defects. Identifiers: Orphanet 590, MedGen C3808739, MONDO:0014052, OMIM 615120.

Allele frequency attached by ClinVar (database versions not stated): ExAC 0.00001; TOPMed 0.00001.
gnomAD v4.1: 25 of 1,613,124 alleles (0.0015%); highest among the groups gnomAD compares: Non-Finnish European, 0.0019%; no homozygotes.

Submission:

Labcorp Genetics (formerly Invitae), Labcorp
Classification: Uncertain significance for Congenital myasthenic syndrome 8. Last evaluated: 2022-07-06. Review status: criteria provided, single submitter. Criteria: Invitae Variant Classification Sherloc (09022015). Collection method: clinical testing. Allele origin: germline.
Comment: This sequence change replaces proline, which is neutral and non-polar, with leucine, which is neutral and non-polar, at codon 166 of the AGRN protein (p.Pro166Leu). This variant is present in population databases (rs559237289, gnomAD 0.002%). This variant has not been reported in the literature in individuals affected with AGRN-related conditions. Algorithms developed to predict the effect of missense changes on protein structure and function output the following: SIFT: "Deleterious"; PolyPhen-2: "Possibly Damaging"; Align-GVGD: "Class C0". The leucine amino acid residue is found in multiple mammalian species, which suggests that this missense change does not adversely affect protein function. In summary, the available evidence is currently insufficient to determine the role of this variant in disease. Therefore, it has been classified as a Variant of Uncertain Significance.

NM_198576.4(AGRN):c.497C>T (p.Pro166Leu)

Gene: AGRN (agrin; plus strand). Cytogenetic location: 1p36.33.
Variant type: single nucleotide variant.
Coding change: c.497C>T on transcript NM_198576.4 (MANE Select); coding-DNA position 497, C replaced by T.
Protein change: p.Pro166Leu; replaces proline 166 with leucine.
Molecular consequence: missense variant.
Genome position (GRCh38, 1-based): chr1:1,035,310, C>T. VCF-style: chr1-1035310-C-T. GRCh37 (hg19) VCF-style: chr1-970690-C-T.
Other names: c.497C>T, p.Pro166Leu (NM_001305275.2); c.182C>T, p.Pro61Leu (NM_001364727.2); short protein forms P166L, P61L.
Identifiers: ClinVar variation 2194786 (VCV002194786.3), dbSNP rs559237289, ClinGen allele CA507858.